The following is an entry in ClinVar:

ClinVar aggregate classification (germline): Uncertain significance (1 of 4 stars; one submission).

Submission:

GeneDx
Classification: Uncertain significance. Last evaluated: 2026-04-02. Review status: criteria provided, single submitter. Criteria: GeneDx Variant Classification Process June 2021. Collection method: clinical testing. Allele origin: germline.
Comment: Not observed at significant frequency in large population cohorts (gnomAD); In silico analysis supports that this missense variant has a deleterious effect on protein structure/function; Has not been previously published as pathogenic or benign to our knowledge

NM_139137.4(KCNC2):c.1331A>G (p.Tyr444Cys)

Gene: KCNC2 (potassium voltage-gated channel subfamily C member 2; minus strand). Cytogenetic location: 12q21.1.
Variant type: single nucleotide variant.
Coding change: c.1331A>G on transcript NM_139137.4 (MANE Select); coding-DNA position 1331, A replaced by G.
Protein change: p.Tyr444Cys; replaces tyrosine 444 with cysteine.
Molecular consequence: missense variant. On other transcripts: non-coding transcript variant (1).
Genome position (GRCh38, 1-based): chr12:75,050,674, T>C on the plus strand (A>G on the coding strand, the complement: KCNC2 is on the minus strand). VCF-style: chr12-75050674-T-C. GRCh37 (hg19) VCF-style: chr12-75444454-T-C.
Other names: c.1331A>G, p.Tyr444Cys (NM_001260497.2, NM_001260498.2, NM_001260499.2 and 13 more transcripts); short protein forms Y444C.
Identifiers: ClinVar variation 5018165 (VCV005018165.1).